The following is an entry in ClinVar:

ClinVar aggregate classification (germline): Uncertain significance. Review status: criteria provided, multiple submitters, no conflicts (2 of 4 stars). 3 submissions from 3 submitters: Uncertain significance (3). Last evaluated 2024-03-06.

Conditions:
Hereditary cancer-predisposing syndrome. Also called: Hereditary neoplastic syndrome; Neoplastic Syndromes, Hereditary; Hereditary Cancer Syndrome; Tumor predisposition. Identifiers: Orphanet 140162, MedGen C0027672, MeSH D009386, MONDO:0015356.
Familial adenomatous polyposis 1 (FAP1). Also called: POLYPOSIS, ADENOMATOUS INTESTINAL; FAMILIAL ADENOMATOUS POLYPOSIS 1, ATTENUATED. Identifiers: MedGen C2713442, MONDO:0021056, OMIM 175100. Disease mechanism: loss of function.

gnomAD v4.1: 2 of 1,614,108 alleles (0.00012%); highest among the groups gnomAD compares: East Asian, 0.0022%; no homozygotes.

Submissions (3):

Color Diagnostics, LLC DBA Color Health
Classification: Uncertain significance for Hereditary cancer-predisposing syndrome. Last evaluated: 2024-03-06. Review status: criteria provided, single submitter. Criteria: ACMG Guidelines, 2015. Collection method: clinical testing. Allele origin: germline.
Comment: This missense variant replaces arginine with proline at codon 845 of the APC protein. Computational prediction suggests that this variant may not impact protein structure and function (internally defined REVEL score threshold <= 0.5, PMID: 27666373). To our knowledge, functional studies have not been reported for this variant. This variant has not been reported in individuals affected with hereditary cancer in the literature. This variant has not been identified in the general population by the Genome Aggregation Database (gnomAD). The available evidence is insufficient to determine the role of this variant in disease conclusively. Therefore, this variant is classified as a Variant of Uncertain Significance.

Labcorp Genetics (formerly Invitae), Labcorp
Classification: Uncertain significance for Familial adenomatous polyposis 1. Last evaluated: 2024-02-09. Review status: criteria provided, single submitter. Criteria: Invitae Variant Classification Sherloc (09022015). Collection method: clinical testing. Allele origin: germline.
Comment: This sequence change replaces arginine, which is basic and polar, with proline, which is neutral and non-polar, at codon 845 of the APC protein (p.Arg845Pro). This variant is not present in population databases (gnomAD no frequency). This variant has not been reported in the literature in individuals affected with APC-related conditions. ClinVar contains an entry for this variant (Variation ID: 1486349). Advanced modeling of protein sequence and biophysical properties (such as structural, functional, and spatial information, amino acid conservation, physicochemical variation, residue mobility, and thermodynamic stability) performed at Invitae indicates that this missense variant is not expected to disrupt APC protein function with a negative predictive value of 95%. In summary, the available evidence is currently insufficient to determine the role of this variant in disease. Therefore, it has been classified as a Variant of Uncertain Significance.

Ambry Genetics
Classification: Uncertain significance for Hereditary cancer-predisposing syndrome. Last evaluated: 2023-08-02. Review status: criteria provided, single submitter. Criteria: Ambry Variant Classification Scheme 2023. Collection method: clinical testing. Allele origin: germline.
Comment: The p.R845P variant (also known as c.2534G>C), located in coding exon 15 of the APC gene, results from a G to C substitution at nucleotide position 2534. The arginine at codon 845 is replaced by proline, an amino acid with dissimilar properties. This amino acid position is conserved. In addition, in silico predictors for this gene do not accurately predict pathogenicity. Since supporting evidence is limited at this time, the clinical significance of this alteration remains unclear.

NM_000038.6(APC):c.2534G>C (p.Arg845Pro)

Gene: APC (APC regulator of Wnt signaling pathway; plus strand). Cytogenetic location: 5q22.2.
Variant type: single nucleotide variant.
Coding change: c.2534G>C on transcript NM_000038.6 (MANE Select); coding-DNA position 2534, G replaced by C.
Protein change: p.Arg845Pro; replaces arginine 845 with proline.
Molecular consequence: missense variant.
Genome position (GRCh38, 1-based): chr5:112,838,128, G>C. VCF-style: chr5-112838128-G-C. GRCh37 (hg19) VCF-style: chr5-112173825-G-C.
Other names: c.2534G>C, p.Arg845Pro (NM_001127510.3, NM_001354895.2); c.2480G>C, p.Arg827Pro (NM_001127511.3); c.2588G>C, p.Arg863Pro (NM_001354896.2); c.2564G>C, p.Arg855Pro (NM_001354897.2); c.2459G>C, p.Arg820Pro (NM_001354898.2); c.2450G>C, p.Arg817Pro (NM_001354899.2); c.2411G>C, p.Arg804Pro (NM_001354900.2); c.2357G>C, p.Arg786Pro (NM_001354901.2); and 6 more; short protein forms R562P, R744P, R820P, R845P, R719P, R786P, R804P, R827P.
Identifiers: ClinVar variation 1486349 (VCV001486349.9), dbSNP rs776878597, ClinGen allele CA16026884.
Genomic context (GRCh38, chr5:112,838,128, plus strand): 5'-ATTTGAATACTACAGTGTTACCCAGCTCCTCTTCATCAAGAGGAAGCTTAGATAGTTCTC[G>C]TTCTGAAAAAGATAGAAGTTTGGAGAGAGAACGCGGAATTGGTCTAGGCAACTACCATCC-3'
Protein context (NP_000029.2, residues 835-855): SSSRGSLDSS[Arg845Pro]SEKDRSLERE